The following is an entry in ClinVar:

NM_024408.4(NOTCH2):c.1554C>T (p.Cys518=)

Gene: NOTCH2 (notch receptor 2; minus strand). Cytogenetic location: 1p12.
Variant type: single nucleotide variant.
Coding change: c.1554C>T on transcript NM_024408.4 (MANE Select); coding-DNA position 1554, C replaced by T.
Protein change: p.Cys518=; no amino-acid change (cysteine 518 retained).
Molecular consequence: synonymous variant.
Genome position (GRCh38, 1-based): chr1:119,966,389, G>A on the plus strand (C>T on the coding strand, the complement: NOTCH2 is on the minus strand). VCF-style: chr1-119966389-G-A. GRCh37 (hg19) VCF-style: chr1-120509012-G-A.
Other names: c.1554C>T, p.Cys518= (NM_001200001.2); c.1554C>T (NM_024408.3).
Identifiers: ClinVar variation 289328 (VCV000289328.14), dbSNP rs138817140, ClinGen allele CA1040529.

ClinVar aggregate classification (germline): Conflicting classifications of pathogenicity. Review status: criteria provided, conflicting classifications (1 of 4 stars). 3 submissions from 3 submitters: Uncertain significance (1); Likely benign (2). Last evaluated 2025-03-13.

Conditions:
Hajdu-Cheney syndrome (HJCYS). Also called: ACROOSTEOLYSIS WITH OSTEOPOROSIS AND CHANGES IN SKULL AND MANDIBLE; SERPENTINE FIBULA-POLYCYSTIC KIDNEY SYNDROME; Acroosteolysis dominant type. Identifiers: Orphanet 955, MedGen C0917715, MONDO:0007057, OMIM 102500.
NOTCH2-related disorder. Also called: NOTCH2-related condition.

Allele frequency attached by ClinVar (database versions not stated): gnomAD exomes 0.00001 and 0.00002; ExAC 0.00004; TOPMed 0.00006; gnomAD 0.00009; ESP Exome Variant Server 0.00015.
gnomAD v4.1: 21 of 1,612,722 alleles (0.0013%); highest among the groups gnomAD compares: African/African-American, 0.024%; no homozygotes.

Submissions (3):

PreventionGenetics, part of Exact Sciences
Classification: Likely benign for NOTCH2-related condition. Last evaluated: 2025-03-13. Review status: criteria provided, single submitter. Criteria: ACMG Guidelines, 2015. Collection method: clinical testing. Allele origin: germline.
Comment: This variant is classified as likely benign based on ACMG/AMP sequence variant interpretation guidelines (Richards et al. 2015 PMID: 25741868, with internal and published modifications).

Labcorp Genetics (formerly Invitae), Labcorp
Classification: Likely benign for Hajdu-Cheney syndrome. Last evaluated: 2022-12-15. Review status: criteria provided, single submitter. Criteria: Invitae Variant Classification Sherloc (09022015). Collection method: clinical testing. Allele origin: germline.

Eurofins Ntd Llc (ga)
Classification: Uncertain significance. Last evaluated: 2018-04-17. Review status: criteria provided, single submitter. Criteria: EGL ClinVar v180209 classification definitions. Collection method: clinical testing. Allele origin: germline. Observed: 4 variant alleles, 4 heterozygotes.